The following is an entry in ClinVar:

ClinVar aggregate classification (germline): Uncertain significance (1 of 4 stars; one submission).

Conditions:
Amyloidosis, hereditary systemic 1 (AMYLD1). Also called: Familial amyloid polyneuropathy; Transthyretin Amyloidosis; Hereditary oculoleptomeningeal amyloid angiopathy; Familial Transthyretin Amyloidosis; Isolated Cardiac Amyloidosis; Amyloid Cardiomyopathy, Transthyretin-related. Identifiers: Orphanet 85447, Orphanet 85451, MedGen C2751492, MONDO:0971004, OMIM 105210.

Submission:

Labcorp Genetics (formerly Invitae), Labcorp
Classification: Uncertain significance for Amyloidosis, hereditary systemic 1. Last evaluated: 2024-12-16. Review status: criteria provided, single submitter. Criteria: Invitae Variant Classification Sherloc (09022015). Collection method: clinical testing. Allele origin: germline.
Comment: This sequence change replaces alanine, which is neutral and non-polar, with threonine, which is neutral and polar, at codon 140 of the TTR protein (p.Ala140Thr). This variant is not present in population databases (gnomAD no frequency). This missense change has been observed in individual(s) with clinical features of familial transthyretin amyloidosis (PMID: 22209138). This variant is also known as p.Ala120Thr. Invitae Evidence Modeling of protein sequence and biophysical properties (such as structural, functional, and spatial information, amino acid conservation, physicochemical variation, residue mobility, and thermodynamic stability) indicates that this missense variant is expected to disrupt TTR protein function with a positive predictive value of 80%. This variant disrupts the p.Ala140 amino acid residue in TTR. Other variant(s) that disrupt this residue have been determined to be pathogenic (PMID: 12050338, 22592564, 26208957, 28635949). This suggests that this residue is clinically significant, and that variants that disrupt this residue are likely to be disease-causing. In summary, the available evidence is currently insufficient to determine the role of this variant in disease. Therefore, it has been classified as a Variant of Uncertain Significance.

Literature cited by the submitters: PubMed 22209138; PubMed 12050338; PubMed 22592564; PubMed 26208957; PubMed 28635949.

NM_000371.4(TTR):c.418G>A (p.Ala140Thr)

Gene: TTR (transthyretin; plus strand). Cytogenetic location: 18q12.1.
Variant type: single nucleotide variant.
Coding change: c.418G>A on transcript NM_000371.4 (MANE Select); coding-DNA position 418, G replaced by A.
Protein change: p.Ala140Thr; replaces alanine 140 with threonine.
Molecular consequence: missense variant.
Genome position (GRCh38, 1-based): chr18:31,598,649, G>A. VCF-style: chr18-31598649-G-A. GRCh37 (hg19) VCF-style: chr18-29178612-G-A.
Other names: short protein forms A140T.
Identifiers: ClinVar variation 3723127 (VCV003723127.2).